The following is an entry in ClinVar:

ClinVar aggregate classification (germline): Uncertain significance (1 of 4 stars; one submission).

gnomAD v4.1: 9 of 1,614,052 alleles (0.00056%); highest among the groups gnomAD compares: Non-Finnish European, 0.00076%; no homozygotes.

Submission:

Athena Diagnostics
Classification: Uncertain significance. Last evaluated: 2024-03-26. Review status: criteria provided, single submitter. Criteria: Athena Diagnostics Criteria. Collection method: clinical testing. Allele origin: unknown.
Comment: Available data are insufficient to determine the clinical significance of the variant at this time. The frequency of this variant in the general population is uninformative in assessment of its pathogenicity. Computational tools disagree on the variant's effect on normal protein function.

NM_015346.4(ZFYVE26):c.3376C>G (p.Pro1126Ala)

Gene: ZFYVE26 (zinc finger FYVE-type containing 26; minus strand). Cytogenetic location: 14q24.1.
Variant type: single nucleotide variant.
Coding change: c.3376C>G on transcript NM_015346.4 (MANE Select); coding-DNA position 3376, C replaced by G.
Protein change: p.Pro1126Ala; replaces proline 1126 with alanine.
Molecular consequence: missense variant.
Genome position (GRCh38, 1-based): chr14:67,785,206, G>C on the plus strand (C>G on the coding strand, the complement: ZFYVE26 is on the minus strand). VCF-style: chr14-67785206-G-C. GRCh37 (hg19) VCF-style: chr14-68251923-G-C.
Other names: short protein forms P1126A.
Identifiers: ClinVar variation 3571947 (VCV003571947.1).